The following is an entry in ClinVar:

NM_080425.4(GNAS):c.888G>T (p.Thr296=)

Gene: GNAS (GNAS complex locus; plus strand). Cytogenetic location: 20q13.32.
Variant type: single nucleotide variant.
Coding change: c.888G>T on transcript NM_080425.4 (MANE Plus Clinical); coding-DNA position 888, G replaced by T.
Protein change: p.Thr296=; no amino-acid change (threonine 296 retained).
Molecular consequence: synonymous variant. On other transcripts: missense variant (2), intron variant (3).
Genome position (GRCh38, 1-based): chr20:58,854,153, G>T. VCF-style: chr20-58854153-G-T. GRCh37 (hg19) VCF-style: chr20-57429208-G-T.
Other names: c.701G>T, p.Arg234Leu (NM_001077490.3, NM_001309883.1); c.888G>T, p.Thr296= (NM_001410913.1); c.*42+13267G>T (NM_016592.5); c.43+13267G>T (NM_001410912.1); c.-39+12278G>T (NM_001309861.2); short protein forms R234L.
Identifiers: ClinVar variation 2628952 (VCV002628952.2), dbSNP rs1392004008, ClinGen allele CA409458268.

ClinVar aggregate classification (germline): Uncertain significance (1 of 4 stars; one submission).

Conditions:
GNAS-related disorder. Identifiers: MedGen CN380105.

Allele frequency attached by ClinVar (database versions not stated): TOPMed 0.00001.
gnomAD v4.1: 44 of 1,612,380 alleles (0.0027%); highest among the groups gnomAD compares: Non-Finnish European, 0.0036%; no homozygotes.

Submission:

PreventionGenetics, part of Exact Sciences
Classification: Uncertain significance for GNAS-related condition. Last evaluated: 2025-10-16. Review status: criteria provided, single submitter. Criteria: ACMG Guidelines, 2015. Collection method: clinical testing. Allele origin: germline.
Comment: The GNAS c.701G>T variant is predicted to result in the amino acid substitution p.Arg234Leu. To our knowledge, this variant has not been reported in the literature or in a large population database (gnomAD), indicating this variant is rare. At this time, the clinical significance of this variant is uncertain due to the absence of conclusive functional and genetic evidence.